The following is an entry in ClinVar:

ClinVar aggregate classification (germline): Benign/Likely benign. Review status: criteria provided, multiple submitters, no conflicts (2 of 4 stars). 11 submissions from 11 submitters: Benign (5); Likely benign (4). 2 of the submissions do not count toward it. Last evaluated 2026-09-01.

Conditions:
Cholestanol storage disease (CTX). Also called: Cerebrotendinous Xanthomatosis; CEREBRAL CHOLESTERINOSIS; CTX: Cerebrotendinous xanthomatosis. Identifiers: Orphanet 909, MedGen C0238052, MONDO:0008948, OMIM 213700.
Cardiovascular phenotype. Identifiers: MedGen CN230736.

Allele frequency attached by ClinVar (database versions not stated): gnomAD exomes 0.00078 and 0.00145; ExAC 0.00169; gnomAD 0.00462 and 0.00498; TOPMed 0.00491; 1000 Genomes Project 0.00559; ESP Exome Variant Server 0.00584; 1000 Genomes Project 30x 0.00593.
gnomAD v4.1: 1,899 of 1,614,132 alleles (0.12%); highest among the groups gnomAD compares: African/African-American, 1.4%; 9 homozygotes.

Submissions (11):

CeGaT Center for Human Genetics Tuebingen
Classification: Likely benign. Last evaluated: 2026-09-01. Review status: criteria provided, single submitter. Criteria: CeGaT Center For Human Genetics Tuebingen Variant Classification Criteria Version 2. Collection method: clinical testing. Allele origin: germline. Affected: yes. Observed: 13 variant alleles.
Comment: CYP27A1: BP4, BS1

Labcorp Genetics (formerly Invitae), Labcorp
Classification: Benign for Cholestanol storage disease. Last evaluated: 2026-02-03. Review status: criteria provided, single submitter. Criteria: Invitae Variant Classification Sherloc (09022015). Collection method: clinical testing. Allele origin: germline.

Blueprint Genetics
Classification: Likely benign. Last evaluated: 2024-11-25. Review status: criteria provided, single submitter. Criteria: ACMG Guidelines, 2015. Collection method: clinical testing. Allele origin: germline.

Ambry Genetics
Classification: Benign for Cardiovascular phenotype. Last evaluated: 2024-05-17. Review status: criteria provided, single submitter. Criteria: Ambry Variant Classification Scheme 2023. Collection method: clinical testing. Allele origin: germline.

Mayo Clinic Laboratories, Mayo Clinic
Classification: Benign. Last evaluated: 2024-02-29. Review status: criteria provided, single submitter. Criteria: ACMG Guidelines, 2015. Collection method: clinical testing. Allele origin: germline. Observed: 13 variant alleles.
Comment: BA1

GeneDx
Classification: Benign. Last evaluated: 2020-03-24. Review status: criteria provided, single submitter. Criteria: GeneDx Variant Classification Process June 2021. Collection method: clinical testing. Allele origin: germline. Affected: yes.

Athena Diagnostics
Classification: Benign. Last evaluated: 2018-07-26. Review status: criteria provided, single submitter. Criteria: Athena Diagnostics Criteria. Collection method: clinical testing. Allele origin: germline.

Illumina Laboratory Services, Illumina
Classification: Likely benign for Cholestanol storage disease. Last evaluated: 2018-01-12. Review status: criteria provided, single submitter. Criteria: ICSL Variant Classification Criteria 13 December 2019. Collection method: clinical testing. Allele origin: germline.
Comment: This variant was observed in the ICSL laboratory as part of a predisposition screen in an ostensibly healthy population. It had not been previously curated by ICSL or reported in the Human Gene Mutation Database (HGMD: prior to June 1st, 2018), and was therefore a candidate for classification through an automated scoring system. Utilizing variant allele frequency, disease prevalence and penetrance estimates, and inheritance mode, an automated score was calculated to assess if this variant is too frequent to cause the disease. Based on the score and internal cut-off values, a variant classified as likely benign is not then subjected to further curation. The score for this variant resulted in a classification of likely benign for this disease.

Breakthrough Genomics
Classification: Likely benign. Review status: criteria provided, single submitter. Criteria: ACMG Guidelines, 2015. Collection method: not provided. Allele origin: germline. Inheritance: Autosomal recessive inheritance. Affected: yes.

Clinical Genetics DNA and cytogenetics Diagnostics Lab, Erasmus MC, Erasmus Medical Center
Classification: Benign. Review status: no assertion criteria provided. Collection method: clinical testing. Allele origin: germline. Affected: yes. Study: VKGL Data-share Consensus. Not counted in ClinVar's aggregate classification.

Clinical Genetics, Academic Medical Center
Classification: Likely benign. Review status: no assertion criteria provided. Collection method: clinical testing. Allele origin: germline. Affected: yes. Study: VKGL Data-share Consensus. Not counted in ClinVar's aggregate classification.

Literature cited by the submitters: PubMed 24080357 (cited by Athena Diagnostics).

NM_000784.4(CYP27A1):c.524C>T (p.Thr175Met)

Gene: CYP27A1 (cytochrome P450 family 27 subfamily A member 1; plus strand). Cytogenetic location: 2q35.
Variant type: single nucleotide variant.
Coding change: c.524C>T on transcript NM_000784.4 (MANE Select); coding-DNA position 524, C replaced by T.
Protein change: p.Thr175Met; replaces threonine 175 with methionine.
Molecular consequence: missense variant.
Genome position (GRCh38, 1-based): chr2:218,812,299, C>T. VCF-style: chr2-218812299-C-T. GRCh37 (hg19) VCF-style: chr2-219677022-C-T.
Other names: p.Thr175Met; short protein forms T175M.
Identifiers: ClinVar variation 586209 (VCV000586209.46), dbSNP rs2229381, ClinGen allele CA2112636.